The following continues an entry in ClinVar:

NM_000138.5(FBN1):c.7999G>A (p.Glu2667Lys)

Gene: FBN1. ClinVar aggregate classification (germline): Conflicting classifications of pathogenicity. Likely pathogenic (1); Uncertain significance (11).

Submissions 7 to 12 of 12:

GeneDx
Classification: Uncertain significance. Last evaluated: 2024-11-07. Review status: criteria provided, single submitter. Criteria: GeneDx Variant Classification Process June 2021. Collection method: clinical testing. Allele origin: germline. Affected: yes.
Comment: In silico analysis indicates that this missense variant does not alter protein structure/function; Does not affect a cysteine or calcium-binding residue within an EGF-like domain or a TGF-binding protein domain of the FBN1 gene; cysteine substitutions in the EGF-like domains represent the majority of pathogenic missense changes associated with FBN1-related disorders (PMID: 12938084); This variant is associated with the following publications: (PMID: 34653508, Wilkerson2023[casereport], 12938084, 33100332, 27582083)

All of Us Research Program, National Institutes of Health
Classification: Uncertain significance for Marfan syndrome. Last evaluated: 2024-07-10. Review status: criteria provided, single submitter. Criteria: ACMG Guidelines, 2015. Collection method: clinical testing. Allele origin: germline. Inheritance: Autosomal dominant inheritance. Observed: 16 variant alleles, 16 heterozygotes.
Comment: This missense variant replaces glutamic acid with lysine at codon 2667 of the FBN1 protein. Computational prediction tools indicate that this variant has a neutral impact on protein structure and function. To our knowledge, functional studies have not been reported for this variant. The individual's heterozygous parent and sibling had aortic dilation, while the other heterozygous parent was unaffected (PMID: 27582083). This variant has also been reported in a case of fetal demise with multiple anomalies (PMID: 33100332) and in an individual affected with dilated cardiomyopathy (PMID: 37904629). This variant has been identified in 9/281854 chromosomes in the general population by the Genome Aggregation Database (gnomAD). The available evidence is insufficient to determine the role of this variant in disease conclusively. Therefore, this variant is classified as a Variant of Uncertain Significance.

This study involves interpretation of variants in research participants for the purpose of population health screening. Participant phenotype was not available at the time of variant classification. Additional details can be found in publication PMID: 35346344, PMCID: PMC8962531

Ambry Genetics
Classification: Uncertain significance for Familial thoracic aortic aneurysm and aortic dissection. Last evaluated: 2024-03-26. Review status: criteria provided, single submitter. Criteria: Ambry Variant Classification Scheme 2023. Collection method: clinical testing. Allele origin: germline.
Comment: The p.E2667K variant (also known as c.7999G>A), located in coding exon 63 of the FBN1 gene, results from a G to A substitution at nucleotide position 7999. The glutamic acid at codon 2667 is replaced by lysine, an amino acid with similar properties. This amino acid position is not well conserved in available vertebrate species. In addition, the in silico prediction for this alteration is inconclusive. Based on available evidence to date, the clinical significance of this alteration remains unclear.

Fulgent Genetics
Classification: Uncertain significance for Acromicric dysplasia; Ectopia lentis 1, isolated, autosomal dominant; Marfan syndrome; Stiff skin syndrome; MASS syndrome; Weill-Marchesani syndrome 2, dominant; Geleophysic dysplasia 2; Progeroid and marfanoid aspect-lipodystrophy syndrome. Last evaluated: 2021-12-17. Review status: criteria provided, single submitter. Criteria: ACMG Guidelines, 2015. Collection method: clinical testing. Allele origin: unknown.

MGZ Medical Genetics Center
Classification: Uncertain significance for Marfan syndrome. Last evaluated: 2021-08-16. Review status: criteria provided, single submitter. Criteria: ACMG Guidelines, 2015. Collection method: clinical testing. Allele origin: germline. Affected: yes. Observed: 1 variant allele.
Comment: ACMG criteria applied: PM1, PP2, BS2

Laboratory for Molecular Medicine, Mass General Brigham Personalized Medicine
Classification: Uncertain significance. Last evaluated: 2017-05-22. Review status: criteria provided, single submitter. Criteria: LMM Criteria. Collection method: clinical testing. Allele origin: germline. Observed: 4 variant alleles.
Comment: Variant classified as Uncertain Significance - Favor Pathogenic. This variant has also been reported in ClinVar (Var iation ID 36124). In addition, it has been identified in 1/66690 of European chr omosomes by the Exome Aggregation Consortium (ExAC, rg; dbSNP rs149062442). Computational prediction tools and conservation analysis do not provide strong support for or against an impact to the protein. In summa ry, while there is some suspicion for a pathogenic role, the clinical significan ce of the p.Glu2667Lys variant is uncertain.

Literature cited by the submitters: PubMed 27582083 (cited by 6 submitters); PubMed 34653508 (cited by Women's Health and Genetics/Laboratory Corporation of America, LabCorp); PubMed 33100332 (cited by 3 submitters); PubMed 37904629 (cited by Color Diagnostics, LLC DBA Color Health and All of Us Research Program, National Institutes of Health).